The following is an entry in ClinVar:

ClinVar aggregate classification (germline): Uncertain significance (1 of 4 stars; one submission).

Conditions:
Cardiovascular phenotype. Identifiers: MedGen CN230736.

gnomAD v4.1: 5 of 1,463,710 alleles (0.00034%); highest among the groups gnomAD compares: Admixed American, 0.005%; no homozygotes.

Submission:

Ambry Genetics
Classification: Uncertain significance for Cardiovascular phenotype. Last evaluated: 2024-05-11. Review status: criteria provided, single submitter. Criteria: Ambry Variant Classification Scheme 2023. Collection method: clinical testing. Allele origin: germline.
Comment: The p.R479W variant (also known as c.1435C>T), located in coding exon 4 of the JPH2 gene, results from a C to T substitution at nucleotide position 1435. The arginine at codon 479 is replaced by tryptophan, an amino acid with dissimilar properties. This amino acid position is conserved. In addition, this alteration is predicted to be tolerated by in silico analysis. Based on the available evidence, the clinical significance of this variant remains unclear.

NM_020433.5(JPH2):c.1435C>T (p.Arg479Trp)

Gene: JPH2 (junctophilin 2; minus strand). Cytogenetic location: 20q13.12.
Variant type: single nucleotide variant.
Coding change: c.1435C>T on transcript NM_020433.5 (MANE Select); coding-DNA position 1435, C replaced by T.
Protein change: p.Arg479Trp; replaces arginine 479 with tryptophan.
Molecular consequence: missense variant.
Genome position (GRCh38, 1-based): chr20:44,116,240, G>A on the plus strand (C>T on the coding strand, the complement: JPH2 is on the minus strand). VCF-style: chr20-44116240-G-A. GRCh37 (hg19) VCF-style: chr20-42744880-G-A.
Other names: short protein forms R479W.
Identifiers: ClinVar variation 3287232 (VCV003287232.1).